The following is an entry in ClinVar:

NM_002769.5(PRSS1):c.676C>A (p.Pro226Thr)

Genes: PRSS1 (serine protease 1; plus strand), TRB (T cell receptor beta locus; plus strand). Cytogenetic location: 7q34.
Variant type: single nucleotide variant.
Coding change: c.676C>A on transcript NM_002769.5 (MANE Select); coding-DNA position 676, C replaced by A.
Protein change: p.Pro226Thr; replaces proline 226 with threonine.
Molecular consequence: missense variant. On other transcripts: non-coding transcript variant (5).
Genome position (GRCh38, 1-based): chr7:142,752,952, C>A. VCF-style: chr7-142752952-C-A. GRCh37 (hg19) VCF-style: chr7-142460803-C-A.
Other names: short protein forms P226T.
Identifiers: ClinVar variation 3310644 (VCV003310644.1).

ClinVar aggregate classification (germline): Uncertain significance (1 of 4 stars; one submission).

Conditions:
Hereditary pancreatitis (PCTT). Also called: PRSS1-Related Hereditary Pancreatitis; Hereditary chronic pancreatitis. Identifiers: Orphanet 676, MedGen C0238339, MONDO:0008185, OMIM 167800.

Submission:

Ambry Genetics
Classification: Uncertain significance for Hereditary pancreatitis. Last evaluated: 2024-04-07. Review status: criteria provided, single submitter. Criteria: Ambry Variant Classification Scheme 2023. Collection method: clinical testing. Allele origin: germline.
Comment: The p.P226T variant (also known as c.676C>A), located in coding exon 5 of the PRSS1 gene, results from a C to A substitution at nucleotide position 676. The proline at codon 226 is replaced by threonine, an amino acid with highly similar properties. This amino acid position is conserved. In addition, this alteration is predicted to be deleterious by in silico analysis. Based on the available evidence, the clinical significance of this variant remains unclear.